The following is an entry in ClinVar:

NC_000011.9:g.(?_68671411)_(68707209_?)del

Gene: IGHMBP2 (immunoglobulin mu DNA binding protein 2; plus strand). Cytogenetic location: 11q13.3.
Variant type: Deletion.
Identifiers: ClinVar variation 1073962 (VCV001073962.5).

ClinVar aggregate classification (germline): Pathogenic (1 of 4 stars; one submission).

Conditions:
Charcot-Marie-Tooth disease axonal type 2S. Also called: CHARCOT-MARIE-TOOTH DISEASE, AXONAL, AUTOSOMAL RECESSIVE, TYPE 2S; CHARCOT-MARIE-TOOTH NEUROPATHY, TYPE 2S. Identifiers: Orphanet 443073, MedGen C4015349, MONDO:0014511, OMIM 616155.
Autosomal recessive distal spinal muscular atrophy 1. Also called: NEURONOPATHY, DISTAL HEREDITARY MOTOR, HARDING TYPE VI; NEUROPATHY, DISTAL HEREDITARY MOTOR, AUTOSOMAL RECESSIVE 1; SEVERE INFANTILE AXONAL NEUROPATHY WITH RESPIRATORY FAILURE; SPINAL MUSCULAR ATROPHY, DIAPHRAGMATIC; Spinal muscular atrophy with respiratory distress 1; NEURONOPATHY, SEVERE INFANTILE AXONAL, WITH RESPIRATORY FAILURE. Identifiers: Orphanet 98920, MedGen C1858517, MONDO:0011436, OMIM 604320.

Submission:

Labcorp Genetics (formerly Invitae), Labcorp
Classification: Pathogenic for Autosomal recessive distal spinal muscular atrophy 1; Charcot-Marie-Tooth disease axonal type 2S. Last evaluated: 2020-08-11. Review status: criteria provided, single submitter. Criteria: Invitae Variant Classification Sherloc (09022015). Collection method: clinical testing. Allele origin: germline.
Comment: A gross deletion of the genomic region encompassing the full coding sequence of the IGHMBP2 gene has been identified. The boundaries of this event are unknown as the deletion extends beyond the assayed region for this gene and therefore may encompass additional genes. This variant has not been reported in the literature in individuals with IGHMBP2-related conditions. Loss-of-function variants in IGHMBP2 are known to be pathogenic (PMID: 14681881). For these reasons, this variant has been classified as Pathogenic.

Literature cited by the submitters: PubMed 14681881.